The following is an entry in ClinVar:

ClinVar aggregate classification (germline): Uncertain significance. Review status: criteria provided, multiple submitters, no conflicts (2 of 4 stars). 3 submissions from 3 submitters: Uncertain significance (3). Last evaluated 2024-09-02.

Conditions:
Familial thoracic aortic aneurysm and aortic dissection (TAAD). Also called: Thoracic aortic aneurysms and dissections. Identifiers: Orphanet 91387, MedGen C4707243, MONDO:0019625.
Marfan syndrome (MFS). Also called: FBN1-Related Marfan Syndrome; Marfan syndrome type 1; Marfan's syndrome; Marfan syndrome, classic; MARFAN SYNDROME, TYPE I. Identifiers: Orphanet 284963, Orphanet 558, MedGen C0024796, MONDO:0007947, OMIM 154700.

Submissions (3):

Labcorp Genetics (formerly Invitae), Labcorp
Classification: Uncertain significance for Marfan syndrome; Familial thoracic aortic aneurysm and aortic dissection. Last evaluated: 2024-09-02. Review status: criteria provided, single submitter. Criteria: Invitae Variant Classification Sherloc (09022015). Collection method: clinical testing. Allele origin: germline.
Comment: This sequence change replaces glycine, which is neutral and non-polar, with aspartic acid, which is acidic and polar, at codon 127 of the FBN1 protein (p.Gly127Asp). This variant is not present in population databases (gnomAD no frequency). This missense change has been observed in individual(s) with clinical features of Marfan syndrome (PMID: 17657824; internal data). ClinVar contains an entry for this variant (Variation ID: 626884). Invitae Evidence Modeling of protein sequence and biophysical properties (such as structural, functional, and spatial information, amino acid conservation, physicochemical variation, residue mobility, and thermodynamic stability) indicates that this missense variant is expected to disrupt FBN1 protein function with a positive predictive value of 95%. In summary, the available evidence is currently insufficient to determine the role of this variant in disease. Therefore, it has been classified as a Variant of Uncertain Significance.

CHEO Genetics Diagnostic Laboratory, Children's Hospital of Eastern Ontario
Classification: Uncertain significance for Familial thoracic aortic aneurysm and aortic dissection. Last evaluated: 2022-07-28. Review status: criteria provided, single submitter. Criteria: ACMG Guidelines, 2015. Collection method: clinical testing. Allele origin: germline.

Ambry Genetics
Classification: Uncertain significance for Familial thoracic aortic aneurysm and aortic dissection. Last evaluated: 2020-05-06. Review status: criteria provided, single submitter. Criteria: Ambry Variant Classification Scheme 2023. Collection method: clinical testing. Allele origin: germline.

Literature cited by the submitters: PubMed 17657824 (cited by Labcorp Genetics (formerly Invitae), Labcorp).

NM_000138.5(FBN1):c.380G>A (p.Gly127Asp)

Gene: FBN1 (fibrillin 1; minus strand). Cytogenetic location: 15q21.1.
Variant type: single nucleotide variant.
Coding change: c.380G>A on transcript NM_000138.5 (MANE Select); coding-DNA position 380, G replaced by A.
Protein change: p.Gly127Asp; replaces glycine 127 with aspartic acid.
Molecular consequence: missense variant.
Genome position (GRCh38, 1-based): chr15:48,600,201, C>T on the plus strand (G>A on the coding strand, the complement: FBN1 is on the minus strand). VCF-style: chr15-48600201-C-T. GRCh37 (hg19) VCF-style: chr15-48892398-C-T.
Other names: short protein forms G127D.
Identifiers: ClinVar variation 626884 (VCV000626884.9), dbSNP rs1566935524, ClinGen allele CA392446571.
Genomic context (GRCh38, chr15:48,600,201, plus strand): 5'-TGTCCACAGTGAGTCCCTATGTATCCTTTCTGGCATAGACAGTGATCGTCACTGCAGCTA[C>T]CTCCATTCATACAGCGAATATTGCAGTGTTGTACTTGAAAAAAAAGAAGAAGAATTCACT-3'
Protein context (NP_000129.3, residues 117-137): QHCNIRCMNG[Gly127Asp]SCSDDHCLCQ